The following is an entry in ClinVar:

ClinVar aggregate classification (germline): Benign/Likely benign. Review status: criteria provided, multiple submitters, no conflicts (2 of 4 stars). 3 submissions from 3 submitters: Benign (1); Likely benign (2). Last evaluated 2026-05-14.

Conditions:
Neurofibromatosis, type 1 (NF1). Also called: VON RECKLINGHAUSEN DISEASE; Neurofibromatosis, type I; NEUROFIBROMATOSIS, TYPE I, SOMATIC; Peripheral type neurofibromatosis. Identifiers: Orphanet 636, MedGen C0027831, MONDO:0018975, OMIM 162200. Disease mechanism: loss of function.
Hereditary cancer-predisposing syndrome. Also called: Neoplastic Syndromes, Hereditary; Tumor predisposition; Hereditary Cancer Syndrome; Hereditary neoplastic syndrome. Identifiers: Orphanet 140162, MedGen C0027672, MeSH D009386, MONDO:0015356.
Cardiovascular phenotype. Identifiers: MedGen CN230736.

gnomAD v4.1: 3 of 1,613,702 alleles (0.00019%); highest among the groups gnomAD compares: Admixed American, 0.005%; no homozygotes.

Submissions (3):

Myriad Genetics, Inc.
Classification: Benign for Neurofibromatosis, type 1. Last evaluated: 2026-05-14. Review status: criteria provided, single submitter. Criteria: Myriad Autosomal Dominant, Autosomal Recessive and X-Linked Classification Criteria (2023). Collection method: clinical testing. Allele origin: unknown.
Comment: This variant is considered benign. This variant is a silent/synonymous amino acid change and it is not expected to impact splicing.

Ambry Genetics
Classification: Likely benign for Cardiovascular phenotype; Hereditary cancer-predisposing syndrome. Last evaluated: 2023-08-03. Review status: criteria provided, single submitter. Criteria: Ambry Variant Classification Scheme 2023. Collection method: clinical testing. Allele origin: germline.

Labcorp Genetics (formerly Invitae), Labcorp
Classification: Likely benign for Neurofibromatosis, type 1. Last evaluated: 2021-12-12. Review status: criteria provided, single submitter. Criteria: Invitae Variant Classification Sherloc (09022015). Collection method: clinical testing. Allele origin: germline.

NM_001042492.3(NF1):c.129A>G (p.Leu43=)

Gene: NF1 (neurofibromin 1; plus strand). Cytogenetic location: 17q11.2.
Variant type: single nucleotide variant.
Coding change: c.129A>G on transcript NM_001042492.3 (MANE Select); coding-DNA position 129, A replaced by G.
Protein change: p.Leu43=; no amino-acid change (leucine 43 retained).
Molecular consequence: synonymous variant.
Genome position (GRCh38, 1-based): chr17:31,156,051, A>G. VCF-style: chr17-31156051-A-G. GRCh37 (hg19) VCF-style: chr17-29483069-A-G.
Other names: c.129A>G, p.Leu43= (NM_000267.4, NM_001128147.3).
Identifiers: ClinVar variation 1604646 (VCV001604646.10), dbSNP rs759576680, ClinGen allele CA499232534.